The following is an entry in ClinVar:

ClinVar aggregate classification (germline): Conflicting classifications of pathogenicity. Review status: criteria provided, conflicting classifications (1 of 4 stars). 11 submissions from 5 submitters: Uncertain significance (2); Benign (2); Likely benign (7). Last evaluated 2026-02-02.

Conditions:
Stiff skin syndrome (SSKS). Identifiers: Orphanet 2833, MedGen C1861456, MONDO:0008492, OMIM 184900.
Marfan syndrome (MFS). Also called: Marfan syndrome type 1; Marfan's syndrome; MARFAN SYNDROME, TYPE I; Marfan syndrome, classic; FBN1-Related Marfan Syndrome. Identifiers: Orphanet 284963, Orphanet 558, MedGen C0024796, MONDO:0007947, OMIM 154700.
Familial thoracic aortic aneurysm and aortic dissection (TAAD). Also called: Thoracic aortic aneurysms and dissections. Identifiers: Orphanet 91387, MedGen C4707243, MONDO:0019625.
Weill-Marchesani syndrome. Also called: WM Syndrome; Mesodermal dysmorphodystrophy congenital. Identifiers: Orphanet 3449, MedGen C0265313, MONDO:0018096.
Acromicric dysplasia (ACMICD). Also called: Acromicric skeletal dysplasia. Identifiers: Orphanet 969, MedGen C0265287, MONDO:0007055, OMIM 102370.
Ectopia lentis 1, isolated, autosomal dominant (ECTOL1). Identifiers: Orphanet 1885, MedGen C3541518, MONDO:0007514, OMIM 129600.
Geleophysic dysplasia. Identifiers: Orphanet 2623, MedGen C3489726, MONDO:0000127.

Allele frequency attached by ClinVar (database versions not stated): gnomAD exomes 0.00010; TOPMed 0.00008; gnomAD 0.00008 and 0.00009; ExAC 0.00008; ESP Exome Variant Server 0.00023.
gnomAD v4.1: 188 of 1,613,976 alleles (0.012%); highest among the groups gnomAD compares: Admixed American, 0.017%; no homozygotes.

Submissions (11):

Labcorp Genetics (formerly Invitae), Labcorp
Classification: Likely benign for Marfan syndrome; Familial thoracic aortic aneurysm and aortic dissection. Last evaluated: 2026-02-02. Review status: criteria provided, single submitter. Criteria: Invitae Variant Classification Sherloc (09022015). Collection method: clinical testing. Allele origin: germline.

Blueprint Genetics
Classification: Likely benign. Last evaluated: 2023-06-09. Review status: criteria provided, single submitter. Criteria: ACMG Guidelines, 2015. Collection method: clinical testing. Allele origin: germline.

Women's Health and Genetics/Laboratory Corporation of America, LabCorp
Classification: Benign. Last evaluated: 2020-02-03. Review status: criteria provided, single submitter. Criteria: LabCorp Variant Classification Summary - May 2015. Collection method: clinical testing. Allele origin: germline.
Comment: Variant summary: FBN1 c.3337+11G>A alters a non-conserved nucleotide located close to a canonical splice site and therefore could affect mRNA splicing, leading to a significantly altered protein sequence. 4/4 computational tools predict no significant impact on normal splicing. However, these predictions have yet to be confirmed by functional studies. The variant allele was found at a frequency of 9.5e-05 in 251476 control chromosomes, predominantly at a frequency of 0.00015 within the Non-Finnish European subpopulation in the gnomAD database. The observed variant frequency within Non-Finnish European control individuals in the gnomAD database is approximately 1.3- fold the estimated maximal expected allele frequency for a pathogenic variant in FBN1 causing Marfan Syndrome phenotype (0.00011), suggesting that the variant is a benign polymorphism found primarily in populations of Non-Finnish European origin. To our knowledge, no occurrence of c.3337+11G>A in individuals affected with Marfan Syndrome and no experimental evidence demonstrating its impact on protein function have been reported. Two other clinical diagnostic laboratories have submitted clinical-significance assessments for this variant to ClinVar after 2014 without evidence for independent evaluation. One laboratory classified the variant as benign and one laboratory classified the variant as uncertain significance. Based on the evidence outlined above, the variant was classified as benign.

Illumina Laboratory Services, Illumina
Classification: Likely benign for Stiff skin syndrome. Last evaluated: 2018-01-12. Review status: criteria provided, single submitter. Criteria: ICSL Variant Classification Criteria 13 December 2019. Collection method: clinical testing. Allele origin: germline.
Comment: This variant was observed in the ICSL laboratory as part of a predisposition screen in an ostensibly healthy population. It had not been previously curated by ICSL or reported in the Human Gene Mutation Database (HGMD: prior to June 1st, 2018), and was therefore a candidate for classification through an automated scoring system. Utilizing variant allele frequency, disease prevalence and penetrance estimates, and inheritance mode, an automated score was calculated to assess if this variant is too frequent to cause the disease. Based on the score and internal cut-off values, a variant classified as likely benign is not then subjected to further curation. The score for this variant resulted in a classification of likely benign for this disease.

Illumina Laboratory Services, Illumina
Classification: Likely benign for Geleophysic dysplasia. Last evaluated: 2018-01-12. Review status: criteria provided, single submitter. Criteria: ICSL Variant Classification Criteria 13 December 2019. Collection method: clinical testing. Allele origin: germline.
Comment: the same text as in the submission from Illumina Laboratory Services, Illumina above.

Illumina Laboratory Services, Illumina
Classification: Likely benign for Ectopia lentis 1, isolated, autosomal dominant. Last evaluated: 2018-01-12. Review status: criteria provided, single submitter. Criteria: ICSL Variant Classification Criteria 13 December 2019. Collection method: clinical testing. Allele origin: germline.
Comment: the same text as in the submission from Illumina Laboratory Services, Illumina above.

Illumina Laboratory Services, Illumina
Classification: Uncertain significance for Marfan syndrome. Last evaluated: 2018-01-12. Review status: criteria provided, single submitter. Criteria: ICSL Variant Classification Criteria 13 December 2019. Collection method: clinical testing. Allele origin: germline.

Illumina Laboratory Services, Illumina
Classification: Likely benign for Weill-Marchesani syndrome. Last evaluated: 2018-01-12. Review status: criteria provided, single submitter. Criteria: ICSL Variant Classification Criteria 13 December 2019. Collection method: clinical testing. Allele origin: germline.
Comment: the same text as in the submission from Illumina Laboratory Services, Illumina above.

Illumina Laboratory Services, Illumina
Classification: Likely benign for Acromicric dysplasia. Last evaluated: 2018-01-12. Review status: criteria provided, single submitter. Criteria: ICSL Variant Classification Criteria 13 December 2019. Collection method: clinical testing. Allele origin: germline.
Comment: the same text as in the submission from Illumina Laboratory Services, Illumina above.

Illumina Laboratory Services, Illumina
Classification: Uncertain significance for Familial thoracic aortic aneurysm and aortic dissection. Last evaluated: 2018-01-12. Review status: criteria provided, single submitter. Criteria: ICSL Variant Classification Criteria 13 December 2019. Collection method: clinical testing. Allele origin: germline.

GeneDx
Classification: Benign. Last evaluated: 2015-09-08. Review status: criteria provided, single submitter. Criteria: GeneDx Variant Classification (06012015). Collection method: clinical testing. Allele origin: germline. Affected: yes.
Comment: This variant is considered likely benign or benign based on one or more of the following criteria: it is a conservative change, it occurs at a poorly conserved position in the protein, it is predicted to be benign by multiple in silico algorithms, and/or has population frequency not consistent with disease.

NM_000138.5(FBN1):c.3337+11G>A

Gene: FBN1 (fibrillin 1; minus strand). Cytogenetic location: 15q21.1.
Variant type: single nucleotide variant.
Coding change: c.3337+11G>A on transcript NM_000138.5 (MANE Select); 11 bases into the intron after coding-DNA position 3337, G replaced by A.
Molecular consequence: intron variant.
Genome position (GRCh38, 1-based): chr15:48,488,102, C>T on the plus strand (G>A on the coding strand, the complement: FBN1 is on the minus strand). VCF-style: chr15-48488102-C-T. GRCh37 (hg19) VCF-style: chr15-48780299-C-T.
Identifiers: ClinVar variation 316378 (VCV000316378.14), dbSNP rs368726848, ClinGen allele CA050323.